The following is an entry in ClinVar:

NM_031885.5(BBS2):c.466T>G (p.Trp156Gly)

Gene: BBS2 (Bardet-Biedl syndrome 2; minus strand). Cytogenetic location: 16q13.
Variant type: single nucleotide variant.
Coding change: c.466T>G on transcript NM_031885.5 (MANE Select); coding-DNA position 466, T replaced by G.
Protein change: p.Trp156Gly; replaces tryptophan 156 with glycine.
Molecular consequence: missense variant. On other transcripts: non-coding transcript variant (5).
Genome position (GRCh38, 1-based): chr16:56,511,164, A>C on the plus strand (T>G on the coding strand, the complement: BBS2 is on the minus strand). VCF-style: chr16-56511164-A-C. GRCh37 (hg19) VCF-style: chr16-56545076-A-C.
Other names: c.466T>G, p.Trp156Gly (NM_001377456.1); short protein forms W156G.
Identifiers: ClinVar variation 2129145 (VCV002129145.5), dbSNP rs766369952, ClinGen allele CA8066047.

ClinVar aggregate classification (germline): Uncertain significance. Review status: criteria provided, multiple submitters, no conflicts (2 of 4 stars). 2 submissions from 2 submitters: Uncertain significance (2). Last evaluated 2022-09-07.

Conditions:
Bardet-Biedl syndrome (BBS). Identifiers: Orphanet 110, MedGen C0752166, MONDO:0015229.

Allele frequency attached by ClinVar (database versions not stated): ExAC 0.00001.

Submissions (2):

Labcorp Genetics (formerly Invitae), Labcorp
Classification: Uncertain significance for Bardet-Biedl syndrome. Last evaluated: 2022-09-07. Review status: criteria provided, single submitter. Criteria: Invitae Variant Classification Sherloc (09022015). Collection method: clinical testing. Allele origin: germline.
Comment: This sequence change replaces tryptophan, which is neutral and slightly polar, with glycine, which is neutral and non-polar, at codon 156 of the BBS2 protein (p.Trp156Gly). In summary, the available evidence is currently insufficient to determine the role of this variant in disease. Therefore, it has been classified as a Variant of Uncertain Significance. Algorithms developed to predict the effect of missense changes on protein structure and function (SIFT, PolyPhen-2, Align-GVGD) all suggest that this variant is likely to be disruptive. This variant has not been reported in the literature in individuals affected with BBS2-related conditions. This variant is present in population databases (rs766369952, gnomAD 0.006%).

Blueprint Genetics
Classification: Uncertain significance. Last evaluated: 2019-11-26. Review status: criteria provided, single submitter. Criteria: ACMG Guidelines, 2015. Collection method: clinical testing. Allele origin: germline.